The following is an entry in ClinVar:

NM_001430.5(EPAS1):c.2360C>G (p.Ser787Cys)

Gene: EPAS1 (endothelial PAS domain protein 1; plus strand). Cytogenetic location: 2p21.
Variant type: single nucleotide variant.
Coding change: c.2360C>G on transcript NM_001430.5 (MANE Select); coding-DNA position 2360, C replaced by G.
Protein change: p.Ser787Cys; replaces serine 787 with cysteine.
Molecular consequence: missense variant.
Genome position (GRCh38, 1-based): chr2:46,382,497, C>G. VCF-style: chr2-46382497-C-G. GRCh37 (hg19) VCF-style: chr2-46609636-C-G.
Other names: short protein forms S787C.
Identifiers: ClinVar variation 3275698 (VCV003275698.1).

ClinVar aggregate classification (germline): Uncertain significance (1 of 4 stars; one submission).

Conditions:
Inborn genetic diseases. Identifiers: MedGen C0950123, MeSH D030342.

gnomAD v4.1: 1 of 1,614,198 alleles (0.000062%); highest among the groups gnomAD compares: African/African-American, 0.0013%; no homozygotes.

Submission:

Ambry Genetics
Classification: Uncertain significance for Inborn genetic diseases. Last evaluated: 2024-04-17. Review status: criteria provided, single submitter. Criteria: Ambry Variant Classification Scheme 2023. Collection method: clinical testing. Allele origin: germline.
Comment: The p.S787C variant (also known as c.2360C>G), located in coding exon 15 of the EPAS1 gene, results from a C to G substitution at nucleotide position 2360. The serine at codon 787 is replaced by cysteine, an amino acid with dissimilar properties. This amino acid position is conserved. In addition, this alteration is predicted to be tolerated by in silico analysis. Based on the available evidence, the clinical significance of this variant remains unclear.